The following is an entry in ClinVar:

ClinVar aggregate classification (germline): Uncertain significance (1 of 4 stars; one submission).

Conditions:
SDCCAG8-related disorder. Also called: SDCCAG8-Related Disorders; SDCCAG8-related condition.

gnomAD v4.1: 4 of 1,613,560 alleles (0.00025%); highest among the groups gnomAD compares: South Asian, 0.0033%; no homozygotes.

Submission:

PreventionGenetics, part of Exact Sciences
Classification: Uncertain significance for SDCCAG8-related condition. Last evaluated: 2025-05-15. Review status: criteria provided, single submitter. Criteria: ACMG Guidelines, 2015. Collection method: clinical testing. Allele origin: germline.
Comment: The SDCCAG8 c.1868A>G variant is predicted to result in the amino acid substitution p.Gln623Arg. To our knowledge, this variant has not been reported in the literature. This variant is reported in 0.0033% of alleles in individuals of South Asian descent in gnomAD. At this time, the clinical significance of this variant is uncertain due to the absence of conclusive functional and genetic evidence.

NM_006642.5(SDCCAG8):c.1868A>G (p.Gln623Arg)

Gene: SDCCAG8 (SHH signaling and ciliogenesis regulator SDCCAG8; plus strand). Cytogenetic location: 1q43.
Variant type: single nucleotide variant.
Coding change: c.1868A>G on transcript NM_006642.5 (MANE Select); coding-DNA position 1868, A replaced by G.
Protein change: p.Gln623Arg; replaces glutamine 623 with arginine.
Molecular consequence: missense variant.
Genome position (GRCh38, 1-based): chr1:243,426,441, A>G. VCF-style: chr1-243426441-A-G. GRCh37 (hg19) VCF-style: chr1-243589743-A-G.
Other names: c.965A>G, p.Gln322Arg (NM_001350246.2, NM_001350247.2, NM_001350251.2); c.1964A>G, p.Gln655Arg (NM_001350248.2); c.1574A>G, p.Gln525Arg (NM_001350249.2); short protein forms Q623R, Q655R, Q322R, Q525R.
Identifiers: ClinVar variation 4982607 (VCV004982607.1).